The following is an entry in ClinVar:

ClinVar aggregate classification (germline): Uncertain significance (1 of 4 stars; one submission).

Submission:

Ambry Genetics
Classification: Uncertain significance. Last evaluated: 2025-05-31. Review status: criteria provided, single submitter. Criteria: Ambry Variant Classification Scheme 2023. Collection method: clinical testing. Allele origin: germline.
Comment: The p.A654G variant (also known as c.1961C>G), located in coding exon 19 of the SRP72 gene, results from a C to G substitution at nucleotide position 1961. The alanine at codon 654 is replaced by glycine, an amino acid with similar properties. This amino acid position is conserved. In addition, this alteration is predicted to be tolerated by in silico analysis. Based on the available evidence, the clinical significance of this variant remains unclear.

NM_006947.4(SRP72):c.1961C>G (p.Ala654Gly)

Gene: SRP72 (signal recognition particle 72; plus strand). Cytogenetic location: 4q12.
Variant type: single nucleotide variant.
Coding change: c.1961C>G on transcript NM_006947.4 (MANE Select); coding-DNA position 1961, C replaced by G.
Protein change: p.Ala654Gly; replaces alanine 654 with glycine.
Molecular consequence: missense variant. On other transcripts: non-coding transcript variant (1).
Genome position (GRCh38, 1-based): chr4:56,501,806, C>G. VCF-style: chr4-56501806-C-G. GRCh37 (hg19) VCF-style: chr4-57367972-C-G.
Other names: c.1778C>G, p.Ala593Gly (NM_001267722.2); short protein forms A654G, A593G.
Identifiers: ClinVar variation 3962127 (VCV003962127.1).